The following is an entry in ClinVar:

NM_004667.6(HERC2):c.11267C>T (p.Ser3756Leu)

Gene: HERC2 (HECT and RLD domain containing E3 ubiquitin protein ligase 2; minus strand). Cytogenetic location: 15q13.1.
Variant type: single nucleotide variant.
Coding change: c.11267C>T on transcript NM_004667.6 (MANE Select); coding-DNA position 11267, C replaced by T.
Protein change: p.Ser3756Leu; replaces serine 3756 with leucine.
Molecular consequence: missense variant.
Genome position (GRCh38, 1-based): chr15:28,144,109, G>A on the plus strand (C>T on the coding strand, the complement: HERC2 is on the minus strand). VCF-style: chr15-28144109-G-A. GRCh37 (hg19) VCF-style: chr15-28389255-G-A.
Other names: short protein forms S3756L.
Identifiers: ClinVar variation 1320729 (VCV001320729.2), dbSNP rs1891495381, ClinGen allele CA391384551.

ClinVar aggregate classification (germline): Uncertain significance (1 of 4 stars; one submission).

Allele frequency attached by ClinVar (database versions not stated): gnomAD exomes below 0.00001; TOPMed below 0.00001.
gnomAD v4.1: 3 of 1,614,192 alleles (0.00019%); highest among the groups gnomAD compares: South Asian, 0.0011%; no homozygotes.

Submission:

GeneDx
Classification: Uncertain significance. Last evaluated: 2019-05-22. Review status: criteria provided, single submitter. Criteria: GeneDx Variant Classification Process June 2021. Collection method: clinical testing. Allele origin: germline. Affected: yes.
Comment: Not observed in large population cohorts (Lek et al., 2016); In silico analysis, which includes protein predictors and evolutionary conservation, supports that this variant does not alter protein structure/function; Has not been previously published as pathogenic or benign to our knowledge